The following is an entry in ClinVar:

NM_024598.4(USB1):c.544T>C (p.Phe182Leu)

Gene: USB1 (U6 snRNA biogenesis phosphodiesterase 1; plus strand). Cytogenetic location: 16q21.
Variant type: single nucleotide variant.
Coding change: c.544T>C on transcript NM_024598.4 (MANE Select); coding-DNA position 544, T replaced by C.
Protein change: p.Phe182Leu; replaces phenylalanine 182 with leucine.
Molecular consequence: missense variant.
Genome position (GRCh38, 1-based): chr16:58,017,374, T>C. VCF-style: chr16-58017374-T-C. GRCh37 (hg19) VCF-style: chr16-58051278-T-C.
Other names: c.490T>C, p.Phe164Leu (NM_001195302.2); c.391T>C, p.Phe131Leu (NM_001330568.2); short protein forms F182L, F131L, F164L.
Identifiers: ClinVar variation 3813919 (VCV003813919.1).

ClinVar aggregate classification (germline): Uncertain significance (1 of 4 stars; one submission).

Conditions:
Inborn genetic diseases. Identifiers: MedGen C0950123, MeSH D030342.

gnomAD v4.1: 1 of 1,614,062 alleles (0.000062%); highest among the groups gnomAD compares: Non-Finnish European, 0.000085%; no homozygotes.

Submission:

Ambry Genetics
Classification: Uncertain significance for Inborn genetic diseases. Last evaluated: 2025-03-10. Review status: criteria provided, single submitter. Criteria: Ambry Variant Classification Scheme 2023. Collection method: clinical testing. Allele origin: germline.
Comment: The p.F182L variant (also known as c.544T>C), located in coding exon 5 of the USB1 gene, results from a T to C substitution at nucleotide position 544. The phenylalanine at codon 182 is replaced by leucine, an amino acid with highly similar properties. This amino acid position is conserved. In addition, this alteration is predicted to be tolerated by in silico analysis. Based on the available evidence, the clinical significance of this variant remains unclear.